The following is an entry in ClinVar:

NM_002224.4(ITPR3):c.3022G>T (p.Gly1008Trp)

Gene: ITPR3 (inositol 1,4,5-trisphosphate receptor type 3; plus strand). Cytogenetic location: 6p21.31.
Variant type: single nucleotide variant.
Coding change: c.3022G>T on transcript NM_002224.4 (MANE Select); coding-DNA position 3022, G replaced by T.
Protein change: p.Gly1008Trp; replaces glycine 1008 with tryptophan.
Molecular consequence: missense variant.
Genome position (GRCh38, 1-based): chr6:33,673,684, G>T. VCF-style: chr6-33673684-G-T. GRCh37 (hg19) VCF-style: chr6-33641461-G-T.
Other names: short protein forms G1008W.
Identifiers: ClinVar variation 3111791 (VCV003111791.2), dbSNP rs1764830240, ClinGen allele CA363701366.

ClinVar aggregate classification (germline): Uncertain significance. Review status: criteria provided, multiple submitters, no conflicts (2 of 4 stars). 2 submissions from 2 submitters: Uncertain significance (2). Last evaluated 2025-11-02.

Allele frequency attached by ClinVar (database versions not stated): gnomAD exomes below 0.00001.
gnomAD v4.1: 2 of 1,614,186 alleles (0.00012%); highest among the groups gnomAD compares: Non-Finnish European, 0.00017%; no homozygotes.

Submissions (2):

Labcorp Genetics (formerly Invitae), Labcorp
Classification: Uncertain significance. Last evaluated: 2025-11-02. Review status: criteria provided, single submitter. Criteria: Invitae Variant Classification Sherloc (09022015). Collection method: clinical testing. Allele origin: germline.
Comment: This sequence change replaces glycine, which is neutral and non-polar, with tryptophan, which is neutral and slightly polar, at codon 1008 of the ITPR3 protein (p.Gly1008Trp). This variant is not present in population databases (gnomAD no frequency). This variant has not been reported in the literature in individuals affected with ITPR3-related conditions. ClinVar contains an entry for this variant (Variation ID: 3111791). Invitae Evidence Modeling of protein sequence and biophysical properties (such as structural, functional, and spatial information, amino acid conservation, physicochemical variation, residue mobility, and thermodynamic stability) indicates that this missense variant is not expected to disrupt ITPR3 protein function with a negative predictive value of 80%. In summary, the available evidence is currently insufficient to determine the role of this variant in disease. Therefore, it has been classified as a Variant of Uncertain Significance.

Ambry Genetics
Classification: Uncertain significance. Last evaluated: 2023-12-09. Review status: criteria provided, single submitter. Criteria: Ambry Variant Classification Scheme 2023. Collection method: clinical testing. Allele origin: germline.